The following is an entry in ClinVar:

NM_000327.4(ROM1):c.148G>A (p.Gly50Ser)

Gene: ROM1 (retinal outer segment membrane protein 1; plus strand). Cytogenetic location: 11q12.3.
Variant type: single nucleotide variant.
Coding change: c.148G>A on transcript NM_000327.4 (MANE Select); coding-DNA position 148, G replaced by A.
Protein change: p.Gly50Ser; replaces glycine 50 with serine.
Molecular consequence: missense variant.
Genome position (GRCh38, 1-based): chr11:62,613,429, G>A. VCF-style: chr11-62613429-G-A. GRCh37 (hg19) VCF-style: chr11-62380901-G-A.
Other names: short protein forms G50S.
Identifiers: ClinVar variation 1979093 (VCV001979093.4), dbSNP rs141126730, ClinGen allele CA6049654.

ClinVar aggregate classification (germline): Uncertain significance (1 of 4 stars; one submission).

Allele frequency attached by ClinVar (database versions not stated): gnomAD exomes below 0.00001; ExAC 0.00003; gnomAD 0.00003; TOPMed 0.00003; ESP Exome Variant Server 0.00023.
gnomAD v4.1: 8 of 1,613,134 alleles (0.0005%); highest among the groups gnomAD compares: African/African-American, 0.0093%; no homozygotes.

Submission:

Labcorp Genetics (formerly Invitae), Labcorp
Classification: Uncertain significance. Last evaluated: 2022-11-07. Review status: criteria provided, single submitter. Criteria: Invitae Variant Classification Sherloc (09022015). Collection method: clinical testing. Allele origin: germline.
Comment: In summary, the available evidence is currently insufficient to determine the role of this variant in disease. Therefore, it has been classified as a Variant of Uncertain Significance. Advanced modeling of protein sequence and biophysical properties (such as structural, functional, and spatial information, amino acid conservation, physicochemical variation, residue mobility, and thermodynamic stability) performed at Invitae indicates that this missense variant is not expected to disrupt ROM1 protein function. This variant has not been reported in the literature in individuals affected with ROM1-related conditions. This variant is present in population databases (rs141126730, gnomAD 0.02%). This sequence change replaces glycine, which is neutral and non-polar, with serine, which is neutral and polar, at codon 50 of the ROM1 protein (p.Gly50Ser).